The following is an entry in ClinVar:

NM_000548.5(TSC2):c.4005+3G>T

Gene: TSC2 (TSC complex subunit 2; plus strand). Cytogenetic location: 16p13.3.
Variant type: single nucleotide variant.
Coding change: c.4005+3G>T on transcript NM_000548.5 (MANE Select); 3 bases into the intron after coding-DNA position 4005, G replaced by T.
Molecular consequence: intron variant.
Genome position (GRCh38, 1-based): chr16:2,083,819, G>T. VCF-style: chr16-2083819-G-T. GRCh37 (hg19) VCF-style: chr16-2133820-G-T.
Other names: c.2463+3G>T (NM_001406693.1, NM_001406692.1, NM_001406694.1); c.3897+3G>T (NM_001406667.1); c.3894+3G>T (NM_001406668.1); c.3405+3G>T (NM_001406680.1); c.3336+3G>T (NM_001406683.1, NM_001406682.1); c.3204+3G>T (NM_001406687.1, NM_001406688.1); c.2592+3G>T (NM_001406689.1); c.2532+3G>T (NM_001406690.1); and 26 more.
Identifiers: ClinVar variation 3462625 (VCV003462625.1).
Genomic context (GRCh38, chr16:2,083,819, plus strand): 5'-GTTGGAGGACGTTGAGGCAGCGCTAGGCATGGACAGGCGCACGGATGCCTACAGCAGGGT[G>T]AGTGTGGCTCAGAGCCTGGACCCTGCTGACCTCGGGGGGCTCCTTAGGGGAGGCAGGGCT-3'

ClinVar aggregate classification (germline): Uncertain significance (1 of 4 stars; one submission).

Conditions:
Hereditary cancer-predisposing syndrome. Also called: Tumor predisposition; Neoplastic Syndromes, Hereditary; Hereditary neoplastic syndrome; Hereditary Cancer Syndrome. Identifiers: Orphanet 140162, MedGen C0027672, MeSH D009386, MONDO:0015356.

Submission:

Ambry Genetics
Classification: Uncertain significance for Hereditary cancer-predisposing syndrome. Last evaluated: 2024-09-26. Review status: criteria provided, single submitter. Criteria: Ambry Variant Classification Scheme 2023. Collection method: clinical testing. Allele origin: germline.
Comment: The c.4005+3G>T intronic variant results from a G to T substitution 3 nucleotides after coding exon 32 in the TSC2 gene. This nucleotide position is well conserved in available vertebrate species. In silico splice site analysis predicts that this alteration will not have any significant effect on splicing. Based on the available evidence, the clinical significance of this variant remains unclear.